The following is an entry in ClinVar:

ClinVar aggregate classification (germline): Conflicting classifications of pathogenicity. Review status: criteria provided, conflicting classifications (1 of 4 stars). 2 submissions from 2 submitters: Uncertain significance (1); Likely benign (1). Last evaluated 2024-02-09.

Conditions:
Hereditary breast ovarian cancer syndrome. Also called: Hereditary breast and ovarian cancer syndrome (HBOC); BRCA1- and BRCA2-Associated Hereditary Breast and Ovarian Cancer; Hereditary breast and ovarian cancer syndrome; Breast and ovarian cancer; Hereditary breast and ovarian cancer; Hereditary breast and/or ovarian cancer syndrome. Identifiers: Orphanet 145, MedGen C0677776, MeSH D061325, MONDO:0003582. Disease mechanism: loss of function.
Hereditary cancer-predisposing syndrome. Also called: Hereditary neoplastic syndrome; Neoplastic Syndromes, Hereditary; Tumor predisposition; Hereditary Cancer Syndrome. Identifiers: Orphanet 140162, MedGen C0027672, MeSH D009386, MONDO:0015356.

Submissions (2):

Labcorp Genetics (formerly Invitae), Labcorp
Classification: Uncertain significance for Hereditary breast ovarian cancer syndrome. Last evaluated: 2024-02-09. Review status: criteria provided, single submitter. Criteria: Invitae Variant Classification Sherloc (09022015). Collection method: clinical testing. Allele origin: germline.
Comment: This sequence change replaces isoleucine, which is neutral and non-polar, with methionine, which is neutral and non-polar, at codon 1583 of the BRCA2 protein (p.Ile1583Met). This variant is not present in population databases (gnomAD no frequency). This variant has not been reported in the literature in individuals affected with BRCA2-related conditions. ClinVar contains an entry for this variant (Variation ID: 531361). Advanced modeling of protein sequence and biophysical properties (such as structural, functional, and spatial information, amino acid conservation, physicochemical variation, residue mobility, and thermodynamic stability) performed at Invitae indicates that this missense variant is not expected to disrupt BRCA2 protein function with a negative predictive value of 95%. In summary, the available evidence is currently insufficient to determine the role of this variant in disease. Therefore, it has been classified as a Variant of Uncertain Significance.

University of Washington Department of Laboratory Medicine, University of Washington
Classification: Likely benign for Hereditary cancer-predisposing syndrome. Last evaluated: 2023-03-23. Review status: criteria provided, single submitter. Criteria: Dines et al. (Genet Med. 2020). Collection method: curation. Allele origin: germline.
Comment: Missense variant in a coldspot region where missense variants are very unlikely to be pathogenic (PMID:31911673).

BRCA2 exon 11 coldspot. Reclassification based on statistical prior probability.

NM_000059.4(BRCA2):c.4749T>G (p.Ile1583Met)

Gene: BRCA2 (BRCA2 DNA repair associated; plus strand). Cytogenetic location: 13q13.1.
Variant type: single nucleotide variant.
Coding change: c.4749T>G on transcript NM_000059.4 (MANE Select); coding-DNA position 4749, T replaced by G.
Protein change: p.Ile1583Met; replaces isoleucine 1583 with methionine.
Molecular consequence: missense variant.
Genome position (GRCh38, 1-based): chr13:32,339,104, T>G. VCF-style: chr13-32339104-T-G. GRCh37 (hg19) VCF-style: chr13-32913241-T-G.
Other names: short protein forms I1583M.
Identifiers: ClinVar variation 531361 (VCV000531361.10), dbSNP rs1555283929, ClinGen allele CA387783080.
Genomic context (GRCh38, chr13:32,339,104, plus strand): 5'-GGCAAAGACCCTAAAGTACAGAGAGGCCTGTAAAGACCTTGAATTAGCATGTGAGACCAT[T>G]GAGATCACAGCTGCCCCAAAGTGTAAAGAAATGCAGAATTCTCTCAATAATGATAAAAAC-3'
Protein context (NP_000050.3, residues 1573-1593): CKDLELACET[Ile1583Met]EITAAPKCKE